The following is an entry in ClinVar:

NM_006031.6(PCNT):c.6013C>G (p.Leu2005Val)

Gene: PCNT (pericentrin; plus strand). Cytogenetic location: 21q22.3.
Variant type: single nucleotide variant.
Coding change: c.6013C>G on transcript NM_006031.6 (MANE Select); coding-DNA position 6013, C replaced by G.
Protein change: p.Leu2005Val; replaces leucine 2005 with valine.
Molecular consequence: missense variant.
Genome position (GRCh38, 1-based): chr21:46,412,855, C>G. VCF-style: chr21-46412855-C-G. GRCh37 (hg19) VCF-style: chr21-47832769-C-G.
Other names: c.5659C>G, p.Leu1887Val (NM_001315529.2); short protein forms L2005V, L1887V.
Identifiers: ClinVar variation 4986693 (VCV004986693.1).

ClinVar aggregate classification (germline): Uncertain significance (1 of 4 stars; one submission).

Conditions:
PCNT-related disorder. Also called: PCNT-related condition.

gnomAD v4.1: 4 of 1,612,224 alleles (0.00025%); highest among the groups gnomAD compares: Non-Finnish European, 0.00034%; no homozygotes.

Submission:

PreventionGenetics, part of Exact Sciences
Classification: Uncertain significance for PCNT-related condition. Last evaluated: 2026-08-03. Review status: criteria provided, single submitter. Criteria: ACMG Guidelines, 2015. Collection method: clinical testing. Allele origin: germline.
Comment: The PCNT c.6013C>G variant is predicted to result in the amino acid substitution p.Leu2005Val. To our knowledge, this variant has not been reported in the literature. This variant is reported in 0.00088% of alleles in individuals of European (Non-Finnish) descent in gnomAD. At this time, the clinical significance of this variant is uncertain due to the absence of conclusive functional and genetic evidence.